The following is an entry in ClinVar:

NC_000001.10:g.(?_216461143)_(216465592_?)del

Gene: USH2A (usherin; minus strand). Cytogenetic location: 1q41.
Variant type: Deletion.
Identifiers: ClinVar variation 3248091 (VCV003248091.1).

ClinVar aggregate classification (germline): Pathogenic (1 of 4 stars; one submission).

Submission:

Labcorp Genetics (formerly Invitae), Labcorp
Classification: Pathogenic. Last evaluated: 2024-01-07. Review status: criteria provided, single submitter. Criteria: Invitae Variant Classification Sherloc (09022015). Collection method: clinical testing. Allele origin: unknown.
Comment: This variant results in the deletion of exon 11 and part of exon 10 (c.1765_1971+1479delinsA) of the USH2A gene. It is expected to disrupt RNA splicing. Variants that disrupt the donor or acceptor splice site typically lead to a loss of protein function (PMID: 16199547), and loss-of-function variants in USH2A are known to be pathogenic (PMID: 10729113, 10909849, 20507924, 25649381). This variant has not been reported in the literature in individuals affected with USH2A-related conditions. This variant disrupts a region of the USH2A protein in which other variant(s) (p.Cys655) have been determined to be pathogenic (PMID: 28559085; Invitae). This suggests that this is a clinically significant region of the protein, and that variants that disrupt it are likely to be disease-causing. For these reasons, this variant has been classified as Pathogenic.

Literature cited by the submitters: PubMed 16199547; PubMed 10729113; PubMed 10909849; PubMed 20507924; PubMed 25649381; PubMed 28559085.